The following is an entry in ClinVar:

NM_014727.3(KMT2B):c.4633C>G (p.Gln1545Glu)

Gene: KMT2B (lysine methyltransferase 2B; plus strand). Cytogenetic location: 19q13.12.
Variant type: single nucleotide variant.
Coding change: c.4633C>G on transcript NM_014727.3 (MANE Select); coding-DNA position 4633, C replaced by G.
Protein change: p.Gln1545Glu; replaces glutamine 1545 with glutamic acid.
Molecular consequence: missense variant.
Genome position (GRCh38, 1-based): chr19:35,728,835, C>G. VCF-style: chr19-35728835-C-G. GRCh37 (hg19) VCF-style: chr19-36219736-C-G.
Other names: short protein forms Q1545E.
Identifiers: ClinVar variation 2125206 (VCV002125206.4), dbSNP rs2513341743, ClinGen allele CA405416117.

ClinVar aggregate classification (germline): Uncertain significance (1 of 4 stars; one submission).

Submission:

Labcorp Genetics (formerly Invitae), Labcorp
Classification: Uncertain significance. Last evaluated: 2022-07-31. Review status: criteria provided, single submitter. Criteria: Invitae Variant Classification Sherloc (09022015). Collection method: clinical testing. Allele origin: germline.
Comment: This sequence change replaces glutamine, which is neutral and polar, with glutamic acid, which is acidic and polar, at codon 1545 of the KMT2B protein (p.Gln1545Glu). This variant is not present in population databases (gnomAD no frequency). This variant has not been reported in the literature in individuals affected with KMT2B-related conditions. Algorithms developed to predict the effect of missense changes on protein structure and function are either unavailable or do not agree on the potential impact of this missense change (SIFT: "Tolerated"; PolyPhen-2: "Not Available"; Align-GVGD: "Class C0"). In summary, the available evidence is currently insufficient to determine the role of this variant in disease. Therefore, it has been classified as a Variant of Uncertain Significance.